The following is an entry in ClinVar:

NM_003640.5(ELP1):c.505_506del (p.Gln169fs)

Gene: ELP1 (elongator acetyltransferase complex subunit 1; minus strand). Cytogenetic location: 9q31.3.
Variant type: Microsatellite.
Coding change: c.505_506del on transcript NM_003640.5 (MANE Select); coding-DNA positions 505 to 506, 2 bases deleted (CA; older notation c.505_506delCA).
Protein change: p.Gln169fs; shifts the reading frame from glutamine 169.
Molecular consequence: frameshift variant. On other transcripts: 5 prime UTR variant (1).
Genome position (GRCh38, 1-based): chr9:108,922,888-108,922,889, TG deleted on the plus strand (CA on the coding strand, the reverse complement: ELP1 is on the minus strand); deleting any 2 consecutive bases within chr9:108,922,888-108,922,892 gives the same sequence; the c. name uses the placement nearest the transcript's 3' end. VCF-style (leftmost placement, unchanged base first): chr9-108922887-CTG-C. GRCh37 (hg19) VCF-style: chr9-111685167-CTG-C.
Other names: c.163_164del, p.Gln55fs (NM_001318360.2); c.-357CA[1] (NM_001330749.2); short protein forms Q55fs, Q169fs.
Identifiers: ClinVar variation 959103 (VCV000959103.7), dbSNP rs1829698275, ClinGen allele CA1871348261.

ClinVar aggregate classification (germline): Pathogenic (1 of 4 stars; one submission).

Submission:

Labcorp Genetics (formerly Invitae), Labcorp
Classification: Pathogenic. Last evaluated: 2020-10-27. Review status: criteria provided, single submitter. Criteria: Invitae Variant Classification Sherloc (09022015). Collection method: clinical testing. Allele origin: germline.
Comment: This variant has not been reported in the literature in individuals with ELP1-related conditions. ClinVar contains an entry for this variant (Variation ID: 959103). For these reasons, this variant has been classified as Pathogenic. This variant is not present in population databases (ExAC no frequency). This sequence change creates a premature translational stop signal (p.Gln169Valfs*17) in the ELP1 gene. It is expected to result in an absent or disrupted protein product. Loss-of-function variants in ELP1 are known to be pathogenic (PMID: 18303054, 24173031).

Literature cited by the submitters: PubMed 18303054; PubMed 24173031.